The following is an entry in ClinVar:

NM_004562.3(PRKN):c.111G>A (p.Pro37=)

Gene: PRKN (parkin RBR E3 ubiquitin protein ligase; minus strand). Cytogenetic location: 6q26.
Variant type: single nucleotide variant.
Coding change: c.111G>A on transcript NM_004562.3 (MANE Select); coding-DNA position 111, G replaced by A.
Protein change: p.Pro37=; no amino-acid change (proline 37 retained).
Molecular consequence: synonymous variant.
Genome position (GRCh38, 1-based): chr6:162,443,370, C>T on the plus strand (G>A on the coding strand, the complement: PRKN is on the minus strand). VCF-style: chr6-162443370-C-T. GRCh37 (hg19) VCF-style: chr6-162864402-C-T.
Other names: p.Pro37=; c.111G>A, p.Pro37= (NM_013987.3, NM_013988.3).
Identifiers: ClinVar variation 356020 (VCV000356020.19), dbSNP rs77795533, ClinGen allele CA4090510.

ClinVar aggregate classification (germline): Benign. Review status: criteria provided, multiple submitters, no conflicts (2 of 4 stars). 5 submissions from 5 submitters: Benign (5). Last evaluated 2026-01-25.

Conditions:
Autosomal recessive juvenile Parkinson disease 2. Also called: PARKINSON DISEASE, JUVENILE, AUTOSOMAL RECESSIVE; Parkinson disease autosomal recessive, early onset; Juvenile parkinsonism; Parkinsonism, early onset, with diurnal fluctuation; PRKN-Related Early-Onset Parkinson Disease; Parkinson disease, juvenile, type 2. Identifiers: Orphanet 2828, MedGen C1868675, MONDO:0010820, OMIM 600116.

Allele frequency attached by ClinVar (database versions not stated): gnomAD exomes 0.00316 and 0.00838; ExAC 0.00981; gnomAD 0.03113 and 0.03342; TOPMed 0.03439; ESP Exome Variant Server 0.03498; 1000 Genomes Project 0.03814; 1000 Genomes Project 30x 0.04232.
gnomAD v4.1: 9,592 of 1,613,604 alleles (0.59%); highest among the groups gnomAD compares: African/African-American, 11%; 497 homozygotes.

Submissions (5):

Labcorp Genetics (formerly Invitae), Labcorp
Classification: Benign. Last evaluated: 2026-01-25. Review status: criteria provided, single submitter. Criteria: Invitae Variant Classification Sherloc (09022015). Collection method: clinical testing. Allele origin: germline.

Athena Diagnostics
Classification: Benign. Last evaluated: 2025-08-18. Review status: criteria provided, single submitter. Criteria: Athena Diagnostics Criteria. Collection method: clinical testing. Allele origin: unknown.
Comment: The frequency of this variant in the general population is higher than would generally be expected for pathogenic variants in this gene.

Mayo Clinic Laboratories, Mayo Clinic
Classification: Benign. Last evaluated: 2022-03-23. Review status: criteria provided, single submitter. Criteria: ACMG Guidelines, 2015. Collection method: clinical testing. Allele origin: germline. Observed: 3 variant alleles.

GeneDx
Classification: Benign. Last evaluated: 2018-07-05. Review status: criteria provided, single submitter. Criteria: GeneDx Variant Classification Process June 2021. Collection method: clinical testing. Allele origin: germline. Affected: yes.

Illumina Laboratory Services, Illumina
Classification: Benign for Autosomal recessive juvenile Parkinson disease 2. Last evaluated: 2018-01-12. Review status: criteria provided, single submitter. Criteria: ICSL Variant Classification Criteria 13 December 2019. Collection method: clinical testing. Allele origin: germline.
Comment: This variant was observed in the ICSL laboratory as part of a predisposition screen in an ostensibly healthy population. It had not been previously curated by ICSL or reported in the Human Gene Mutation Database (HGMD: prior to June 1st, 2018), and was therefore a candidate for classification through an automated scoring system. Utilizing variant allele frequency, disease prevalence and penetrance estimates, and inheritance mode, an automated score was calculated to assess if this variant is too frequent to cause the disease. Based on the score and internal cut-off values, a variant classified as benign is not then subjected to further curation. The score for this variant resulted in a classification of benign for this disease.